The following is an entry in ClinVar:

ClinVar aggregate classification (germline): Likely pathogenic (0 of 4 stars; one submission).

Conditions:
BRF1-related disorder. Also called: BRF1-related condition.

Submission:

PreventionGenetics, part of Exact Sciences
Classification: Likely pathogenic for BRF1-related condition. Last evaluated: 2024-05-07. Review status: no assertion criteria provided. Collection method: clinical testing. Allele origin: germline.
Comment: The BRF1 c.1456_1457delAG variant is predicted to result in a frameshift and premature protein termination (p.Arg486Glyfs*55). To our knowledge, this variant has not been reported in the literature. This variant is reported in 0.0028% of alleles in individuals of Latino descent in gnomAD. Frameshift variants in BRF1 are expected to be pathogenic. This variant is interpreted as likely pathogenic.

NM_001519.4(BRF1):c.1456_1457del (p.Arg486fs)

Gene: BRF1 (BRF1 general transcription factor IIIB subunit; minus strand). Cytogenetic location: 14q32.33.
Variant type: Microsatellite.
Coding change: c.1456_1457del on transcript NM_001519.4 (MANE Select); coding-DNA positions 1456 to 1457, 2 bases deleted (AG; older notation c.1456_1457delAG).
Protein change: p.Arg486fs; shifts the reading frame from arginine 486.
Molecular consequence: frameshift variant.
Genome position (GRCh38, 1-based): chr14:105,219,153-105,219,154, CT deleted on the plus strand (AG on the coding strand, the reverse complement: BRF1 is on the minus strand); deleting any 2 consecutive bases within chr14:105,219,153-105,219,156 gives the same sequence; the c. name uses the placement nearest the transcript's 3' end. VCF-style (leftmost placement, unchanged base first): chr14-105219152-CCT-C. GRCh37 (hg19) VCF-style: chr14-105685489-CCT-C.
Other names: c.1177_1178del, p.Arg393fs (NM_001242786.2); c.1111_1112del, p.Arg371fs (NM_001242787.2); c.1375_1376del, p.Arg459fs (NM_001242788.2); c.742_743del, p.Arg248fs (NM_001242789.2); c.844_845del, p.Arg282fs (NM_145685.3); short protein forms R248fs, R282fs, R371fs, R393fs, R459fs, R486fs.
Identifiers: ClinVar variation 2630025 (VCV002630025.2), dbSNP rs778434804, ClinGen allele CA7387136.